The following is an entry in ClinVar:

NM_014611.3(MDN1):c.8032A>G (p.Thr2678Ala)

Gene: MDN1 (midasin AAA ATPase 1; minus strand). Cytogenetic location: 6q15.
Variant type: single nucleotide variant.
Coding change: c.8032A>G on transcript NM_014611.3 (MANE Select); coding-DNA position 8032, A replaced by G.
Protein change: p.Thr2678Ala; replaces threonine 2678 with alanine.
Molecular consequence: missense variant.
Genome position (GRCh38, 1-based): chr6:89,706,175, T>C on the plus strand (A>G on the coding strand, the complement: MDN1 is on the minus strand). VCF-style: chr6-89706175-T-C. GRCh37 (hg19) VCF-style: chr6-90415894-T-C.
Other names: short protein forms T2678A.
Identifiers: ClinVar variation 3039235 (VCV003039235.2), dbSNP rs41273331, ClinGen allele CA3924132.

ClinVar aggregate classification (germline): Likely benign (0 of 4 stars; one submission).

Conditions:
MDN1-related disorder. Also called: MDN1-related condition.

Allele frequency attached by ClinVar (database versions not stated): 1000 Genomes Project 0.00140; 1000 Genomes Project 30x 0.00156; TOPMed 0.00281; ExAC 0.00355; gnomAD 0.00372; ESP Exome Variant Server 0.00484; gnomAD exomes 0.00539.
gnomAD v4.1: 8,396 of 1,612,252 alleles (0.52%); highest among the groups gnomAD compares: Non-Finnish European, 0.59%; 37 homozygotes.

Submission:

PreventionGenetics, part of Exact Sciences
Classification: Likely benign for MDN1-related condition. Last evaluated: 2019-03-04. Review status: no assertion criteria provided. Collection method: clinical testing. Allele origin: germline.
Comment: This variant is classified as likely benign based on ACMG/AMP sequence variant interpretation guidelines (Richards et al. 2015 PMID: 25741868, with internal and published modifications).